The following continues an entry in ClinVar:

NM_206933.4(USH2A):c.6937G>T (p.Gly2313Cys)

Gene: USH2A. ClinVar aggregate classification (germline): Pathogenic/Likely pathogenic. Pathogenic (8); Likely pathogenic (8).

Submissions 14 to 20 of 20:

Institute of Human Genetics, Univ. Regensburg, Univ. Regensburg
Classification: Likely pathogenic for Retinal dystrophy. Last evaluated: 2022-01-01. Review status: criteria provided, single submitter. Criteria: ACMG Guidelines, 2015. Collection method: clinical testing. Allele origin: germline. Affected: yes.

CeGaT Center for Human Genetics Tuebingen
Classification: Pathogenic. Last evaluated: 2018-11-01. Review status: criteria provided, single submitter. Criteria: CeGaT Center For Human Genetics Tuebingen Variant Classification Criteria Version 2. Collection method: clinical testing. Allele origin: germline. Affected: yes. Observed: 5 variant alleles.

UNC Molecular Genetics  Laboratory, University of North Carolina at Chapel Hill
Classification: Likely pathogenic for Retinitis pigmentosa 39. Review status: criteria provided, single submitter. Criteria: ACMG Guidelines, 2015. Collection method: research. Allele origin: germline. Affected: no. Observed: 1 variant allele. Study: NSIGHT-NC NEXUS.
Comment: The USH2A c.6937G>T (p.G2313C) variant has been reported in the compound heterozygous state in individuals with isolated RP (PMID: 26261414; 26306921; 27032803; 28981474).

carrier finding

Sharon lab, Hadassah-Hebrew University Medical Center
Classification: Likely pathogenic for Retinitis pigmentosa. Last evaluated: 2019-06-23. Review status: no assertion criteria provided. Collection method: research. Allele origin: inherited. Affected: yes. Not counted in ClinVar's aggregate classification.

Genomics England Pilot Project, Genomics England
Classification: Pathogenic for Retinitis pigmentosa 39. Review status: no assertion criteria provided. Criteria: ACGS Guidelines, 2016. Collection method: clinical testing. Allele origin: germline. Affected: yes. Not counted in ClinVar's aggregate classification.

Dept Of Ophthalmology, Nagoya University
Classification: Uncertain significance for Retinal dystrophy. Last evaluated: 2023-10-01. Review status: flagged submission. Criteria: Submitter's publication. Collection method: research. Allele origin: germline. Affected: yes. Not counted in ClinVar's aggregate classification.
ClinVar note: Reason: Outlier claim with insufficient supporting evidence

Genetics and Molecular Pathology, SA Pathology
Classification: Uncertain significance for Cone-rod dystrophy 3. Last evaluated: 2021-04-30. Review status: flagged submission. Criteria: ACMG Guidelines, 2015. Collection method: clinical testing. Allele origin: germline. Not counted in ClinVar's aggregate classification.
ClinVar note: Reason: Outlier claim with insufficient supporting evidence

Literature cited by the submitters: PubMed 26261414 (cited by 5 submitters); PubMed 26306921 (cited by 3 submitters); PubMed 27032803 (cited by 6 submitters); PubMed 28981474 (cited by 5 submitters); PubMed 31213501 (cited by 3 submitters); PubMed 35672425 (cited by Natera, Inc. and Women's Health and Genetics/Laboratory Corporation of America, LabCorp); PubMed 36819107 (cited by Natera, Inc. and Institute of Human Genetics, Univ. Regensburg, Univ. Regensburg); PubMed 39560289 (cited by Natera, Inc.); PubMed 32098976 (cited by Women's Health and Genetics/Laboratory Corporation of America, LabCorp); PubMed 36460718 (cited by Women's Health and Genetics/Laboratory Corporation of America, LabCorp and Institute of Human Genetics, Univ. Regensburg, Univ. Regensburg); PubMed 37322672 (cited by Women's Health and Genetics/Laboratory Corporation of America, LabCorp); PubMed 31589614 (cited by Institute of Human Genetics, Univ. Regensburg, Univ. Regensburg); PubMed 31964843 (cited by Institute of Human Genetics, Univ. Regensburg, Univ. Regensburg); PubMed 31456290 (cited by Institute of Human Genetics, Univ. Regensburg, Univ. Regensburg); PubMed 34426522 (cited by Institute of Human Genetics, Univ. Regensburg, Univ. Regensburg); PubMed 34758253 (cited by Institute of Human Genetics, Univ. Regensburg, Univ. Regensburg).